The following is an entry in ClinVar:

NM_030777.4(SLC2A10):c.1046A>T (p.Gln349Leu)

Gene: SLC2A10 (solute carrier family 2 member 10; plus strand). Cytogenetic location: 20q13.12.
Variant type: single nucleotide variant.
Coding change: c.1046A>T on transcript NM_030777.4 (MANE Select); coding-DNA position 1046, A replaced by T.
Protein change: p.Gln349Leu; replaces glutamine 349 with leucine.
Molecular consequence: missense variant.
Genome position (GRCh38, 1-based): chr20:46,726,082, A>T. VCF-style: chr20-46726082-A-T. GRCh37 (hg19) VCF-style: chr20-45354721-A-T.
Other names: short protein forms Q349L.
Identifiers: ClinVar variation 3228059 (VCV003228059.1), dbSNP rs2515591827, ClinGen allele CA409268925.

ClinVar aggregate classification (germline): Uncertain significance (1 of 4 stars; one submission).

Conditions:
Familial thoracic aortic aneurysm and aortic dissection (TAAD). Also called: Thoracic aortic aneurysms and dissections. Identifiers: Orphanet 91387, MedGen C4707243, MONDO:0019625.

Submission:

Ambry Genetics
Classification: Uncertain significance for Familial thoracic aortic aneurysm and aortic dissection. Last evaluated: 2023-10-19. Review status: criteria provided, single submitter. Criteria: Ambry Variant Classification Scheme 2023. Collection method: clinical testing. Allele origin: germline.
Comment: The p.Q349L variant (also known as c.1046A>T), located in coding exon 2 of the SLC2A10 gene, results from an A to T substitution at nucleotide position 1046. The glutamine at codon 349 is replaced by leucine, an amino acid with dissimilar properties. This amino acid position is conserved. In addition, this alteration is predicted to be tolerated by in silico analysis. Since supporting evidence is limited at this time, the clinical significance of this alteration remains unclear.